The following is an entry in ClinVar:

ClinVar aggregate classification (germline): Uncertain significance. Review status: criteria provided, multiple submitters, no conflicts (2 of 4 stars). 2 submissions from 2 submitters: Uncertain significance (2). Last evaluated 2026-03-16.

Conditions:
Brugada syndrome. Also called: Sudden unexplained nocturnal death syndrome; Sudden Unexplained Death Syndrome; Sudden Unexplained Nocturnal Death Syndrome (SUNDS); Sudden unexpected nocturnal death syndrome. Identifiers: Orphanet 130, MedGen C1142166, MONDO:0015263.

Allele frequency attached by ClinVar (database versions not stated): gnomAD 0.00001; gnomAD exomes 0.00001; ExAC 0.00002.

Submissions (2):

GeneDx
Classification: Uncertain significance. Last evaluated: 2026-03-16. Review status: criteria provided, single submitter. Criteria: GeneDx Variant Classification Process June 2021. Collection method: clinical testing. Allele origin: germline.
Comment: Not observed at significant frequency in large population cohorts (gnomAD); In silico analysis suggests that this missense variant does not alter protein structure/function; Has not been previously published as pathogenic or benign to our knowledge

Labcorp Genetics (formerly Invitae), Labcorp
Classification: Uncertain significance for Brugada syndrome. Last evaluated: 2021-09-01. Review status: criteria provided, single submitter. Criteria: Invitae Variant Classification Sherloc (09022015). Collection method: clinical testing. Allele origin: germline.
Comment: This sequence change replaces arginine with histidine at codon 478 of the SCN10A protein (p.Arg478His). The arginine residue is weakly conserved and there is a small physicochemical difference between arginine and histidine. This variant is present in population databases (no rsID available, ExAC 0.01%). This variant has not been reported in the literature in individuals affected with SCN10A-related conditions. Advanced modeling of protein sequence and biophysical properties (such as structural, functional, and spatial information, amino acid conservation, physicochemical variation, residue mobility, and thermodynamic stability) performed at Invitae indicates that this missense variant is not expected to disrupt SCN10A protein function. In summary, the available evidence is currently insufficient to determine the role of this variant in disease. Therefore, it has been classified as a Variant of Uncertain Significance.

NM_006514.4(SCN10A):c.1433G>A (p.Arg478His)

Gene: SCN10A (sodium voltage-gated channel alpha subunit 10; minus strand). Cytogenetic location: 3p22.2.
Variant type: single nucleotide variant.
Coding change: c.1433G>A on transcript NM_006514.4 (MANE Select); coding-DNA position 1433, G replaced by A.
Protein change: p.Arg478His; replaces arginine 478 with histidine.
Molecular consequence: missense variant.
Genome position (GRCh38, 1-based): chr3:38,755,816, C>T on the plus strand (G>A on the coding strand, the complement: SCN10A is on the minus strand). VCF-style: chr3-38755816-C-T. GRCh37 (hg19) VCF-style: chr3-38797307-C-T.
Other names: c.1433G>A, p.Arg478His (NM_001293306.2, NM_001293307.2); c.1433G>A (NM_006514.2); short protein forms R478H.
Identifiers: ClinVar variation 1435573 (VCV001435573.6), dbSNP rs1553620983, ClinGen allele CA2320868.